The following is an entry in ClinVar:

NM_005866.4(SIGMAR1):c.448G>A (p.Glu150Lys)

Gene: SIGMAR1 (sigma receptor chaperone 1; minus strand). Cytogenetic location: 9p13.3.
Variant type: single nucleotide variant.
Coding change: c.448G>A on transcript NM_005866.4 (MANE Select); coding-DNA position 448, G replaced by A.
Protein change: p.Glu150Lys; replaces glutamic acid 150 with lysine.
Molecular consequence: missense variant. On other transcripts: synonymous variant (1), non-coding transcript variant (1), intron variant (1).
Genome position (GRCh38, 1-based): chr9:34,635,856, C>T on the plus strand (G>A on the coding strand, the complement: SIGMAR1 is on the minus strand). VCF-style: chr9-34635856-C-T. GRCh37 (hg19) VCF-style: chr9-34635853-C-T.
Other names: c.148G>A, p.Glu50Lys (NM_001282206.2); c.388G>A, p.Glu130Lys (NM_001282207.2); c.471G>A, p.Gly157= (NM_001282208.2); c.308G>A, p.Gly103Glu (NM_001282209.2); c.355G>A, p.Glu119Lys (NM_147157.3); c.446-216G>A (NM_001282205.2); short protein forms E130K, E150K, G103E, E119K, E50K.
Identifiers: ClinVar variation 873316 (VCV000873316.7), dbSNP rs757260058, ClinGen allele CA5035856.

ClinVar aggregate classification (germline): Likely pathogenic. Review status: criteria provided, multiple submitters, no conflicts (2 of 4 stars). 2 submissions from 2 submitters: Likely pathogenic (2). Last evaluated 2021-08-27.

Conditions:
Autosomal recessive distal spinal muscular atrophy 2. Also called: NEURONOPATHY, DISTAL HEREDITARY MOTOR, JERASH TYPE; NEUROPATHY, DISTAL HEREDITARY MOTOR, JERASH TYPE; NEUROPATHY, DISTAL HEREDITARY MOTOR, AUTOSOMAL RECESSIVE 2; Hereditary motor neuropathy, Jerash type; Motor neuropathy, distal, Jerash type; SPINAL MUSCULAR ATROPHY, JERASH TYPE. Identifiers: Orphanet 139552, MedGen C1854023, MONDO:0011585, OMIM 605726.
Amyotrophic lateral sclerosis type 16. Also called: AMYOTROPHIC LATERAL SCLEROSIS 16, JUVENILE. Identifiers: Orphanet 300605, MedGen C3280587, MONDO:0013715, OMIM 614373.

Allele frequency attached by ClinVar (database versions not stated): gnomAD exomes below 0.00001; TOPMed below 0.00001; ExAC 0.00001.

Submissions (2):

Labcorp Genetics (formerly Invitae), Labcorp
Classification: Likely pathogenic for Autosomal recessive distal spinal muscular atrophy 2; Amyotrophic lateral sclerosis type 16. Last evaluated: 2021-08-27. Review status: criteria provided, single submitter. Criteria: Invitae Variant Classification Sherloc (09022015). Collection method: clinical testing. Allele origin: germline.
Comment: Algorithms developed to predict the effect of missense changes on protein structure and function (SIFT, PolyPhen-2, Align-GVGD) all suggest that this variant is likely to be tolerated. Experimental studies have shown that this missense change affects SIGMAR1 function (PMID: 27402882). In summary, the currently available evidence indicates that the variant is pathogenic, but additional data are needed to prove that conclusively. Therefore, this variant has been classified as Likely Pathogenic. ClinVar contains an entry for this variant (Variation ID: 873316). This sequence change replaces glutamic acid with lysine at codon 150 of the SIGMAR1 protein (p.Glu150Lys). The glutamic acid residue is moderately conserved and there is a small physicochemical difference between glutamic acid and lysine. This variant is present in population databases (rs757260058, ExAC 0.002%). This missense change has been observed in individuals with distal hereditary motor neuropathy and/or juvenile amyotrophic lateral sclerosis (PMID: 27402882, 32579787). It has also been observed to segregate with disease in related individuals. This variant is also known as c.355G>A p.Glu119Lys.

Suna and Inan Kirac Foundation Neurodegeneration Research Laboratory, Koc University
Classification: Likely pathogenic for Amyotrophic lateral sclerosis type 16. Last evaluated: 2020-03-31. Review status: criteria provided, single submitter. Criteria: ACMG Guidelines, 2015. Collection method: research. Allele origin: germline. Affected: yes. Observed: 1 variant allele.

Literature cited by the submitters: PubMed 27402882 (cited by Labcorp Genetics (formerly Invitae), Labcorp); PubMed 32579787 (cited by Labcorp Genetics (formerly Invitae), Labcorp).